The following is an entry in ClinVar:

ClinVar aggregate classification (germline): Pathogenic (1 of 4 stars; one submission).

gnomAD v4.1: 6 of 1,614,140 alleles (0.00037%); highest among the groups gnomAD compares: Non-Finnish European, 0.00051%; no homozygotes.

Submission:

Labcorp Genetics (formerly Invitae), Labcorp
Classification: Pathogenic. Last evaluated: 2024-04-09. Review status: criteria provided, single submitter. Criteria: Invitae Variant Classification Sherloc (09022015). Collection method: clinical testing. Allele origin: germline.
Comment: This sequence change replaces arginine, which is basic and polar, with glutamine, which is neutral and polar, at codon 155 of the ABCA3 protein (p.Arg155Gln). This variant is not present in population databases (gnomAD no frequency). This missense change has been observed in individual(s) with lung disease and/or respiratory distress (PMID: 17517255, 24871971). In at least one individual the data is consistent with being in trans (on the opposite chromosome) from a pathogenic variant. Advanced modeling of protein sequence and biophysical properties (such as structural, functional, and spatial information, amino acid conservation, physicochemical variation, residue mobility, and thermodynamic stability) performed at Invitae indicates that this missense variant is expected to disrupt ABCA3 protein function with a positive predictive value of 80%. This variant disrupts the p.Arg155 amino acid residue in ABCA3. Other variant(s) that disrupt this residue have been observed in individuals with ABCA3-related conditions (PMID: 23625987), which suggests that this may be a clinically significant amino acid residue. For these reasons, this variant has been classified as Pathogenic.

Literature cited by the submitters: PubMed 17517255; PubMed 24871971; PubMed 23625987.

NM_001089.3(ABCA3):c.464G>A (p.Arg155Gln)

Gene: ABCA3 (ATP binding cassette subfamily A member 3; minus strand). Cytogenetic location: 16p13.3.
Variant type: single nucleotide variant.
Coding change: c.464G>A on transcript NM_001089.3 (MANE Select); coding-DNA position 464, G replaced by A.
Protein change: p.Arg155Gln; replaces arginine 155 with glutamine.
Molecular consequence: missense variant.
Genome position (GRCh38, 1-based): chr16:2,323,672, C>T on the plus strand (G>A on the coding strand, the complement: ABCA3 is on the minus strand). VCF-style: chr16-2323672-C-T. GRCh37 (hg19) VCF-style: chr16-2373673-C-T.
Other names: short protein forms R155Q.
Identifiers: ClinVar variation 2736314 (VCV002736314.3), dbSNP rs2505674511, ClinGen allele CA394350042.
Genomic context (GRCh38, chr16:2,323,672, plus strand): 5'-TCTTTCAGGAAAAAGGAGCCTGTTTGGGTCCACATGTAATTTCTCCGTGTGTAACTGAAC[C>T]GTAGGTGATATTTCACCTGTGGAAACAAAGAGAAAACCAGCTGTTCCGAGAGATCCAGAC-3'
Protein context (NP_001080.2, residues 145-165): PLPLAVKYHL[Arg155Gln]FSYTRRNYMW